The following is an entry in ClinVar:

ClinVar aggregate classification (germline): Uncertain significance. Review status: criteria provided, multiple submitters, no conflicts (2 of 4 stars). 3 submissions from 3 submitters: Uncertain significance (3). Last evaluated 2026-01-15.

Conditions:
Fraser syndrome 1 (FRASRS1). Also called: CRYPTOPHTHALMOS WITH OTHER MALFORMATIONS. Identifiers: Orphanet 2052, MedGen C4551480, MONDO:0054737, OMIM 219000.

Allele frequency attached by ClinVar (database versions not stated): gnomAD exomes 0.00002; ExAC 0.00004; gnomAD 0.00006 and 0.00007; TOPMed 0.00007; 1000 Genomes Project 30x 0.00016; 1000 Genomes Project 0.00020.
gnomAD v4.1: 37 of 1,613,772 alleles (0.0023%); highest among the groups gnomAD compares: African/African-American, 0.029%; no homozygotes.

Submissions (3):

Labcorp Genetics (formerly Invitae), Labcorp
Classification: Uncertain significance. Last evaluated: 2026-01-15. Review status: criteria provided, single submitter. Criteria: Invitae Variant Classification Sherloc (09022015). Collection method: clinical testing. Allele origin: germline.
Comment: This sequence change replaces valine, which is neutral and non-polar, with isoleucine, which is neutral and non-polar, at codon 3377 of the FRAS1 protein (p.Val3377Ile). This variant is present in population databases (rs573489939, gnomAD 0.03%). This variant has not been reported in the literature in individuals affected with FRAS1-related conditions. ClinVar contains an entry for this variant (Variation ID: 452280). Invitae Evidence Modeling of protein sequence and biophysical properties (such as structural, functional, and spatial information, amino acid conservation, physicochemical variation, residue mobility, and thermodynamic stability) indicates that this missense variant is not expected to disrupt FRAS1 protein function with a negative predictive value of 80%. In summary, the available evidence is currently insufficient to determine the role of this variant in disease. Therefore, it has been classified as a Variant of Uncertain Significance.

Fulgent Genetics
Classification: Uncertain significance for Fraser syndrome 1. Last evaluated: 2021-09-14. Review status: criteria provided, single submitter. Criteria: ACMG Guidelines, 2015. Collection method: clinical testing. Allele origin: unknown.

GeneDx
Classification: Uncertain significance. Last evaluated: 2017-09-27. Review status: criteria provided, single submitter. Criteria: GeneDx Variant Classification (06012015). Collection method: clinical testing. Allele origin: germline. Affected: yes.
Comment: The V3377I variant in the FRAS1 gene has not been reported previously as a pathogenic variant, nor as a benign variant, to our knowledge. The V3377I variant is observed in 8/24014 (0.033%) alleles from individuals of African background, in the ExAC dataset (Lek et al., 2016). The V3377I variant is a conservative amino acid substitution, which is not likely to impact secondary protein structure as these residues share similar properties. This substitution occurs at a position where amino acids with similar properties to Valine are tolerated across species. In silico analysis is inconsistent in its predictions as to whether or not the variant is damaging to the protein structure/function. We interpret V3377I as a variant of uncertain significance.

NM_025074.7(FRAS1):c.10129G>A (p.Val3377Ile)

Gene: FRAS1 (Fraser extracellular matrix complex subunit 1; plus strand). Cytogenetic location: 4q21.21.
Variant type: single nucleotide variant.
Coding change: c.10129G>A on transcript NM_025074.7 (MANE Select); coding-DNA position 10129, G replaced by A.
Protein change: p.Val3377Ile; replaces valine 3377 with isoleucine.
Molecular consequence: missense variant.
Genome position (GRCh38, 1-based): chr4:78,513,507, G>A. VCF-style: chr4-78513507-G-A. GRCh37 (hg19) VCF-style: chr4-79434661-G-A.
Other names: short protein forms V3377I.
Identifiers: ClinVar variation 452280 (VCV000452280.7), dbSNP rs573489939, ClinGen allele CA2978866.